The following is an entry in ClinVar:

NM_003036.4(SKI):c.1445C>T (p.Ala482Val)

Gene: SKI (SKI proto-oncogene; plus strand). Cytogenetic location: 1p36.32.
Variant type: single nucleotide variant.
Coding change: c.1445C>T on transcript NM_003036.4 (MANE Select); coding-DNA position 1445, C replaced by T.
Protein change: p.Ala482Val; replaces alanine 482 with valine.
Molecular consequence: missense variant.
Genome position (GRCh38, 1-based): chr1:2,304,073, C>T. VCF-style: chr1-2304073-C-T. GRCh37 (hg19) VCF-style: chr1-2235512-C-T.
Other names: short protein forms A482V.
Identifiers: ClinVar variation 451641 (VCV000451641.4), dbSNP rs372475723, ClinGen allele CA16896362.

ClinVar aggregate classification (germline): Conflicting classifications of pathogenicity. Review status: criteria provided, conflicting classifications (1 of 4 stars). 3 submissions from 3 submitters: Uncertain significance (2); Likely benign (1). Last evaluated 2025-11-03.

Conditions:
Shprintzen-Goldberg syndrome (SGS). Also called: CRANIOSYNOSTOSIS WITH ARACHNODACTYLY AND ABDOMINAL HERNIAS; Marfanoid disorder with craniosynostosis type 1; Marfanoid craniosynostosis syndrome; Shprintzen-Goldberg marfanoid syndrome; SHPRINTZEN-GOLDBERG CRANIOSYNOSTOSIS SYNDROME. Identifiers: Orphanet 2462, MedGen C1321551, MONDO:0008426, OMIM 182212.
Familial thoracic aortic aneurysm and aortic dissection (TAAD). Also called: Thoracic aortic aneurysms and dissections. Identifiers: Orphanet 91387, MedGen C4707243, MONDO:0019625.

Allele frequency attached by ClinVar (database versions not stated): ESP Exome Variant Server 0.00008; TOPMed 0.00002; gnomAD 0.00001; gnomAD exomes 0.00001.
gnomAD v4.1: 9 of 1,612,452 alleles (0.00056%); highest among the groups gnomAD compares: African/African-American, 0.004%; no homozygotes.

Submissions (3):

Labcorp Genetics (formerly Invitae), Labcorp
Classification: Likely benign for Shprintzen-Goldberg syndrome. Last evaluated: 2025-11-03. Review status: criteria provided, single submitter. Criteria: Invitae Variant Classification Sherloc (09022015). Collection method: clinical testing. Allele origin: germline.

Ambry Genetics
Classification: Uncertain significance for Familial thoracic aortic aneurysm and aortic dissection. Last evaluated: 2024-05-22. Review status: criteria provided, single submitter. Criteria: Ambry Variant Classification Scheme 2023. Collection method: clinical testing. Allele origin: germline.
Comment: The p.A482V variant (also known as c.1445C>T), located in coding exon 4 of the SKI gene, results from a C to T substitution at nucleotide position 1445. The alanine at codon 482 is replaced by valine, an amino acid with similar properties. This amino acid position is conserved. In addition, this alteration is predicted to be tolerated by in silico analysis. Based on the available evidence, the clinical significance of this variant remains unclear.

GeneDx
Classification: Uncertain significance. Last evaluated: 2017-08-29. Review status: criteria provided, single submitter. Criteria: GeneDx Variant Classification (06012015). Collection method: clinical testing. Allele origin: germline. Affected: yes.
Comment: A variant of uncertain significance has been identified in the SKI gene. The A482V variant has not been published as pathogenic or been reported as benign to our knowledge. This variant is not observed in large population cohorts (Lek et al., 2016; 1000 Genomes Consortium et al., 2015; Exome Variant Server). However, the A482V variant is a conservative amino acid substitution, which is not likely to impact secondary protein structure as these residues share similar properties. This substitution occurs at a position that is only conserved in mammals. Finally, in silico analysis suggests that this variant likely does not alter the protein structure/function.